The following is an entry in ClinVar:

NM_002615.7(SERPINF1):c.620T>G (p.Leu207Arg)

Gene: SERPINF1 (serpin family F member 1; plus strand). Cytogenetic location: 17p13.3.
Variant type: single nucleotide variant.
Coding change: c.620T>G on transcript NM_002615.7 (MANE Select); coding-DNA position 620, T replaced by G.
Protein change: p.Leu207Arg; replaces leucine 207 with arginine.
Molecular consequence: missense variant.
Genome position (GRCh38, 1-based): chr17:1,772,052, T>G. VCF-style: chr17-1772052-T-G. GRCh37 (hg19) VCF-style: chr17-1675346-T-G.
Other names: c.620T>G, p.Leu207Arg (NM_001329903.2); c.59T>G, p.Leu20Arg (NM_001329904.2, NM_001329905.2); short protein forms L207R, L20R.
Identifiers: ClinVar variation 1449308 (VCV001449308.10), dbSNP rs967535162, ClinGen allele CA286846335.

ClinVar aggregate classification (germline): Conflicting classifications of pathogenicity. Review status: criteria provided, conflicting classifications (1 of 4 stars). 3 submissions from 3 submitters: Pathogenic (1); Uncertain significance (2). Last evaluated 2025-04-04.

Conditions:
Osteogenesis imperfecta (OI). Identifiers: Orphanet 666, MedGen C0029434, MeSH D010013, MONDO:0019019.
SERPINF1-related disorder. Also called: SERPINF1-related condition.

Submissions (3):

PreventionGenetics, part of Exact Sciences
Classification: Uncertain significance for SERPINF1-related condition. Last evaluated: 2025-04-04. Review status: criteria provided, single submitter. Criteria: ACMG Guidelines, 2015. Collection method: clinical testing. Allele origin: germline.
Comment: The SERPINF1 c.620T>G variant is predicted to result in the amino acid substitution p.Leu207Arg. This variant was reported in the homozygous state in two individuals with osteogenesis imperfecta (Mohd Nawawi et al. 2018. PubMed ID: 29807018; Tüysüz et al. 2022. PubMed ID: 34902613). This variant has not been reported in a large population database (gnomAD), indicating this variant is rare. Although we suspect that this variant may be pathogenic, at this time, the clinical significance of this variant is uncertain due to the absence of conclusive functional and genetic evidence.

Labcorp Genetics (formerly Invitae), Labcorp
Classification: Pathogenic. Last evaluated: 2025-03-18. Review status: criteria provided, single submitter. Criteria: Invitae Variant Classification Sherloc (09022015). Collection method: clinical testing. Allele origin: germline.
Comment: This sequence change replaces leucine, which is neutral and non-polar, with arginine, which is basic and polar, at codon 207 of the SERPINF1 protein (p.Leu207Arg). This variant is not present in population databases (gnomAD no frequency). This missense change has been observed in individual(s) with clinical features of osteogenesis imperfecta (PMID: 29807018; internal data). It has also been observed to segregate with disease in related individuals. ClinVar contains an entry for this variant (Variation ID: 1449308). Invitae Evidence Modeling of protein sequence and biophysical properties (such as structural, functional, and spatial information, amino acid conservation, physicochemical variation, residue mobility, and thermodynamic stability) indicates that this missense variant is expected to disrupt SERPINF1 protein function with a positive predictive value of 80%. For these reasons, this variant has been classified as Pathogenic.

Genome Diagnostics Laboratory, The Hospital for Sick Children
Classification: Uncertain significance for Osteogenesis imperfecta. Last evaluated: 2021-04-13. Review status: criteria provided, single submitter. Criteria: ACMG Guidelines, 2015. Collection method: clinical testing. Allele origin: germline.

Literature cited by the submitters: PubMed 29807018 (cited by Labcorp Genetics (formerly Invitae), Labcorp).